The following is an entry in ClinVar:

ClinVar aggregate classification (germline): Uncertain significance (1 of 4 stars; one submission).

Conditions:
Idiopathic generalized epilepsy. Also called: EIG; Generalised epilepsy. Identifiers: MedGen C0270850, MONDO:0005579, OMIM 600669.
Hyperaldosteronism, familial, type IV (HALD4). Also called: FH IV; ALDOSTERONISM, PRIMARY, AND HYPERTENSION. Identifiers: Orphanet 642671, MedGen C4310756, MONDO:0014875, OMIM 617027.

Submission:

Labcorp Genetics (formerly Invitae), Labcorp
Classification: Uncertain significance for Idiopathic generalized epilepsy; Hyperaldosteronism, familial, type IV. Last evaluated: 2018-04-10. Review status: criteria provided, single submitter. Criteria: Invitae Variant Classification Sherloc (09022015). Collection method: clinical testing. Allele origin: germline.
Comment: In summary, the available evidence is currently insufficient to determine the role of this variant in disease. Therefore, it has been classified as a Variant of Uncertain Significance. Algorithms developed to predict the effect of missense changes on protein structure and function output the following: SIFT: "Tolerated"; PolyPhen-2: "Benign"; Align-GVGD: "Class C0". The asparagine amino acid residue is found in multiple mammalian species, suggesting that this missense change does not adversely affect protein function. These predictions have not been confirmed by published functional studies and their clinical significance is uncertain. This variant has not been reported in the literature in individuals with CACNA1H-related disease. This variant is not present in population databases (ExAC no frequency). This sequence change replaces serine with asparagine at codon 796 of the CACNA1H protein (p.Ser796Asn). The serine residue is weakly conserved and there is a small physicochemical difference between serine and asparagine.

NM_021098.3(CACNA1H):c.2387G>A (p.Ser796Asn)

Gene: CACNA1H (calcium voltage-gated channel subunit alpha1 H; plus strand). Cytogenetic location: 16p13.3.
Variant type: single nucleotide variant.
Coding change: c.2387G>A on transcript NM_021098.3 (MANE Select); coding-DNA position 2387, G replaced by A.
Protein change: p.Ser796Asn; replaces serine 796 with asparagine.
Molecular consequence: missense variant.
Genome position (GRCh38, 1-based): chr16:1,204,394, G>A. VCF-style: chr16-1204394-G-A. GRCh37 (hg19) VCF-style: chr16-1254394-G-A.
Other names: c.2387G>A, p.Ser796Asn (NM_001005407.2); short protein forms S796N.
Identifiers: ClinVar variation 568048 (VCV000568048.8), dbSNP rs1567521021, ClinGen allele CA394166455.
Genomic context (GRCh38, chr16:1,204,394, plus strand): 5'-GCCGCCTCTGGGTTACCTTCAGCGGCAAGCTGCGCCGCATCGTGGACAGCAAGTACTTCA[G>A]CCGTGGCATCATGATGGCCATCCTTGTCAACACGCTGAGCATGGGCGTGGAGTACCATGA-3'
Protein context (NP_066921.2, residues 786-806): LRRIVDSKYF[Ser796Asn]RGIMMAILVN